The following is an entry in ClinVar:

ClinVar aggregate classification (germline): Uncertain significance (1 of 4 stars; one submission).

Conditions:
Familial hypobetalipoproteinemia 1. Also called: APOB-Related Familial Hypobetalipoproteinemia; Hypobetalipoproteinemia, normotriglyceridemic; Acanthocytosis with hypobetalipoproteinemia. Identifiers: MedGen C4551990, MONDO:0014252, OMIM 615558.
Hypercholesterolemia, autosomal dominant, type B (FHCL2). Also called: Familial Hypercholesterolemia Type B; APOLIPOPROTEIN B-100, FAMILIAL DEFECTIVE; APOLIPOPROTEIN B-100, FAMILIAL LIGAND-DEFECTIVE; HYPERCHOLESTEROLEMIA, FAMILIAL, DUE TO LIGAND-DEFECTIVE APOLIPOPROTEIN B; Hyperlipoproteinemia Type IIb; Familial hypercholesterolemia 2. Identifiers: MedGen C1704417, MONDO:0007751, OMIM 144010.

gnomAD v4.1: 3 of 1,428,806 alleles (0.00021%); highest among the groups gnomAD compares: Non-Finnish European, 0.00018%; no homozygotes.

Submission:

Labcorp Genetics (formerly Invitae), Labcorp
Classification: Uncertain significance for Familial hypobetalipoproteinemia 1; Hypercholesterolemia, autosomal dominant, type B. Last evaluated: 2024-07-22. Review status: criteria provided, single submitter. Criteria: Invitae Variant Classification Sherloc (09022015). Collection method: clinical testing. Allele origin: germline.
Comment: This sequence change replaces alanine, which is neutral and non-polar, with valine, which is neutral and non-polar, at codon 16 of the APOB protein (p.Ala16Val). The frequency data for this variant in the population databases is considered unreliable, as metrics indicate poor data quality at this position in the gnomAD database. This variant has not been reported in the literature in individuals affected with APOB-related conditions. Advanced modeling of protein sequence and biophysical properties (such as structural, functional, and spatial information, amino acid conservation, physicochemical variation, residue mobility, and thermodynamic stability) performed at Invitae indicates that this missense variant is not expected to disrupt APOB protein function with a negative predictive value of 95%. In summary, the available evidence is currently insufficient to determine the role of this variant in disease. Therefore, it has been classified as a Variant of Uncertain Significance.

NM_000384.3(APOB):c.47C>T (p.Ala16Val)

Genes: APOB (apolipoprotein B; minus strand), LOC106560211 (APOB 5' regulatory region; plus strand). Cytogenetic location: 2p24.1.
Variant type: single nucleotide variant.
Coding change: c.47C>T on transcript NM_000384.3 (MANE Select); coding-DNA position 47, C replaced by T.
Protein change: p.Ala16Val; replaces alanine 16 with valine.
Molecular consequence: missense variant.
Genome position (GRCh38, 1-based): chr2:21,043,899, G>A on the plus strand (C>T on the coding strand, the complement: APOB is on the minus strand). VCF-style: chr2-21043899-G-A. GRCh37 (hg19) VCF-style: chr2-21266771-G-A.
Other names: short protein forms A16V.
Identifiers: ClinVar variation 3762196 (VCV003762196.2).